The following is an entry in ClinVar:

NM_004977.3(KCNC3):c.2207G>A (p.Arg736His)

Gene: KCNC3 (potassium voltage-gated channel subfamily C member 3; minus strand). Cytogenetic location: 19q13.33.
Variant type: single nucleotide variant.
Coding change: c.2207G>A on transcript NM_004977.3 (MANE Select); coding-DNA position 2207, G replaced by A.
Protein change: p.Arg736His; replaces arginine 736 with histidine.
Molecular consequence: missense variant.
Genome position (GRCh38, 1-based): chr19:50,320,313, C>T on the plus strand (G>A on the coding strand, the complement: KCNC3 is on the minus strand). VCF-style: chr19-50320313-C-T. GRCh37 (hg19) VCF-style: chr19-50823570-C-T.
Other names: c.1979G>A, p.Arg660His (NM_001372305.1); short protein forms R660H, R736H.
Identifiers: ClinVar variation 3251785 (VCV003251785.1), dbSNP rs1241533567.

ClinVar aggregate classification (germline): Uncertain significance (1 of 4 stars; one submission).

Allele frequency attached by ClinVar (database versions not stated): gnomAD 0.00001; gnomAD exomes 0.00001.

Submission:

Women's Health and Genetics/Laboratory Corporation of America, LabCorp
Classification: Uncertain significance. Last evaluated: 2024-04-23. Review status: criteria provided, single submitter. Criteria: LabCorp Variant Classification Summary - May 2015. Collection method: clinical testing. Allele origin: germline.
Comment: Variant summary: KCNC3 c.2207G>A (p.Arg736His) results in a non-conservative amino acid change in the encoded protein sequence. Three of four in-silico tools predict a benign effect of the variant on protein function. The variant allele was found at a frequency of 5.8e-05 in 51290 control chromosomes. The available data on variant occurrences in the general population are insufficient to allow any conclusion about variant significance. To our knowledge, no occurrence of c.2207G>A in individuals affected with Spinocerebellar Ataxia Type 13 and no experimental evidence demonstrating its impact on protein function have been reported. No submitters have cited clinical-significance assessments for this variant to ClinVar. Based on the evidence outlined above, the variant was classified as uncertain significance.